The following is an entry in ClinVar:

ClinVar aggregate classification (germline): Uncertain significance (1 of 4 stars; one submission).

Conditions:
Congenital myasthenic syndrome 8. Also called: MYASTHENIC SYNDROME, CONGENITAL, DUE TO AGRIN DEFICIENCY; Myasthenic syndrome, congenital, 8, with pre- and postsynaptic defects. Identifiers: Orphanet 590, MedGen C3808739, MONDO:0014052, OMIM 615120.

Allele frequency attached by ClinVar (database versions not stated): gnomAD exomes below 0.00001; gnomAD 0.00001.
gnomAD v4.1: 2 of 1,602,264 alleles (0.00012%); highest among the groups gnomAD compares: African/African-American, 0.0013%; no homozygotes.

Submission:

Labcorp Genetics (formerly Invitae), Labcorp
Classification: Uncertain significance for Congenital myasthenic syndrome 8. Last evaluated: 2022-08-10. Review status: criteria provided, single submitter. Criteria: Invitae Variant Classification Sherloc (09022015). Collection method: clinical testing. Allele origin: germline.
Comment: Algorithms developed to predict the effect of missense changes on protein structure and function output the following: SIFT: "Tolerated"; PolyPhen-2: "Benign"; Align-GVGD: "Class C0". The lysine amino acid residue is found in multiple mammalian species, which suggests that this missense change does not adversely affect protein function. In summary, the available evidence is currently insufficient to determine the role of this variant in disease. Therefore, it has been classified as a Variant of Uncertain Significance. Algorithms developed to predict the effect of sequence changes on RNA splicing suggest that this variant may disrupt the consensus splice site. ClinVar contains an entry for this variant (Variation ID: 1403981). This variant has not been reported in the literature in individuals affected with AGRN-related conditions. The frequency data for this variant in the population databases is considered unreliable, as metrics indicate poor data quality at this position in the gnomAD database. This sequence change replaces arginine, which is basic and polar, with lysine, which is basic and polar, at codon 1716 of the AGRN protein (p.Arg1716Lys).

NM_198576.4(AGRN):c.5147G>A (p.Arg1716Lys)

Genes: AGRN (agrin; plus strand), LOC129929078 (ATAC-STARR-seq lymphoblastoid silent region 24; plus strand). Cytogenetic location: 1p36.33.
Variant type: single nucleotide variant.
Coding change: c.5147G>A on transcript NM_198576.4 (MANE Select); coding-DNA position 5147, G replaced by A.
Protein change: p.Arg1716Lys; replaces arginine 1716 with lysine.
Molecular consequence: missense variant.
Genome position (GRCh38, 1-based): chr1:1,050,731, G>A. VCF-style: chr1-1050731-G-A. GRCh37 (hg19) VCF-style: chr1-986111-G-A.
Other names: c.5147G>A, p.Arg1716Lys (NM_001305275.2); c.4832G>A, p.Arg1611Lys (NM_001364727.2); short protein forms R1611K, R1716K.
Identifiers: ClinVar variation 1403981 (VCV001403981.8), dbSNP rs1485164787, ClinGen allele CA337780915.